The following is an entry in ClinVar:

NM_001165963.4(SCN1A):c.4460A>G (p.Asn1487Ser)

Genes: SCN1A (sodium voltage-gated channel alpha subunit 1; minus strand), LOC102724058 (uncharacterized LOC102724058; plus strand). Cytogenetic location: 2q24.3.
Variant type: single nucleotide variant.
Coding change: c.4460A>G on transcript NM_001165963.4 (MANE Select); coding-DNA position 4460, A replaced by G.
Protein change: p.Asn1487Ser; replaces asparagine 1487 with serine.
Molecular consequence: missense variant. On other transcripts: non-coding transcript variant (1).
Genome position (GRCh38, 1-based): chr2:165,998,054, T>C on the plus strand (A>G on the coding strand, the complement: SCN1A is on the minus strand). VCF-style: chr2-165998054-T-C. GRCh37 (hg19) VCF-style: chr2-166854564-T-C.
Other names: c.4376A>G, p.Asn1459Ser (NM_001165964.3, NM_001353957.2, NM_001353958.2); c.4460A>G, p.Asn1487Ser (NM_001202435.3, NM_001353948.2); c.4427A>G, p.Asn1476Ser (NM_001353949.2, NM_001353950.2, NM_001353951.2 and 2 more transcripts); c.4424A>G, p.Asn1475Ser (NM_001353954.2, NM_001353955.2); c.4373A>G, p.Asn1458Ser (NM_001353960.2); c.2018A>G, p.Asn673Ser (NM_001353961.2); short protein forms N1458S, N1459S, N1475S, N1476S, N1487S, N673S.
Identifiers: ClinVar variation 1709119 (VCV001709119.2), dbSNP rs2468393624, ClinGen allele CA349049142.

ClinVar aggregate classification (germline): Uncertain significance (1 of 4 stars; one submission).

Conditions:
Severe myoclonic epilepsy in infancy (DRVT). Also called: Epileptic encephalopathy, early infantile, 6 (Dravet syndrome); SEVERE MYOCLONIC EPILEPSY OF INFANCY; DEVELOPMENTAL AND EPILEPTIC ENCEPHALOPATHY 6A; Severe Myoclonic Epilepsy in Infancy (SMEI); Dravet syndrome. Identifiers: Orphanet 33069, MedGen C0751122, MONDO:0100135, OMIM 607208.

Submission:

MGZ Medical Genetics Center
Classification: Uncertain significance for Severe myoclonic epilepsy in infancy. Last evaluated: 2022-03-08. Review status: criteria provided, single submitter. Criteria: ACMG Guidelines, 2015. Collection method: clinical testing. Allele origin: germline. Affected: yes. Observed: 1 variant allele.
Comment: ACMG criteria applied: PM2_SUP, PM4_Sup, PP2, PP3